The following is an entry in ClinVar:

ClinVar aggregate classification (germline): Uncertain significance (1 of 4 stars; one submission).

Conditions:
Frontotemporal dementia and/or amyotrophic lateral sclerosis 1 (FTDALS1). Also called: Frontotemporal dementia with motor neuron disease 1; C9orf72 Frontotemporal Dementia and/or Amyotrophic Lateral Sclerosis. Identifiers: Orphanet 275872, MedGen C5779877, MONDO:0007105, OMIM 105550.
Paget disease of bone 2, early-onset (PDB2). Also called: Paget disease of bone 2. Identifiers: MedGen C4085251, MONDO:0011183, OMIM 602080.

Submission:

Labcorp Genetics (formerly Invitae), Labcorp
Classification: Uncertain significance for Paget disease of bone 2, early-onset; Frontotemporal dementia and/or amyotrophic lateral sclerosis 1. Last evaluated: 2025-01-11. Review status: criteria provided, single submitter. Criteria: Invitae Variant Classification Sherloc (09022015). Collection method: clinical testing. Allele origin: germline.
Comment: This sequence change replaces glutamic acid, which is acidic and polar, with aspartic acid, which is acidic and polar, at codon 19 of the SQSTM1 protein (p.Glu19Asp). This variant is not present in population databases (gnomAD no frequency). This variant has not been reported in the literature in individuals affected with SQSTM1-related conditions. Invitae Evidence Modeling of protein sequence and biophysical properties (such as structural, functional, and spatial information, amino acid conservation, physicochemical variation, residue mobility, and thermodynamic stability) indicates that this missense variant is expected to disrupt SQSTM1 protein function with a positive predictive value of 80%. In summary, the available evidence is currently insufficient to determine the role of this variant in disease. Therefore, it has been classified as a Variant of Uncertain Significance.

NM_003900.5(SQSTM1):c.57G>C (p.Glu19Asp)

Gene: SQSTM1 (sequestosome 1; plus strand). Cytogenetic location: 5q35.3.
Variant type: single nucleotide variant.
Coding change: c.57G>C on transcript NM_003900.5 (MANE Select); coding-DNA position 57, G replaced by C.
Protein change: p.Glu19Asp; replaces glutamic acid 19 with aspartic acid.
Molecular consequence: missense variant. On other transcripts: intron variant (2).
Genome position (GRCh38, 1-based): chr5:179,820,993, G>C. VCF-style: chr5-179820993-G-C. GRCh37 (hg19) VCF-style: chr5-179247993-G-C.
Other names: c.-47-1965G>C (NM_001142298.2, NM_001142299.2); short protein forms E19D.
Identifiers: ClinVar variation 3760964 (VCV003760964.2).
Genomic context (GRCh38, chr5:179,820,993, plus strand): 5'-CGCTATGGCGTCGCTCACCGTGAAGGCCTACCTTCTGGGCAAGGAGGACGCGGCGCGCGA[G>C]ATTCGCCGCTTCAGCTTCTGCTGCAGCCCCGAGCCTGAGGCGGAAGCCGAGGCTGCGGCG-3'
Protein context (NP_003891.1, residues 9-29): YLLGKEDAAR[Glu19Asp]IRRFSFCCSP